The following is an entry in ClinVar:

ClinVar aggregate classification (germline): Uncertain significance. Review status: criteria provided, multiple submitters, no conflicts (2 of 4 stars). 3 submissions from 3 submitters: Uncertain significance (3). Last evaluated 2025-06-18.

Conditions:
Inborn genetic diseases. Identifiers: MedGen C0950123, MeSH D030342.

Allele frequency attached by ClinVar (database versions not stated): gnomAD exomes below 0.00001; TOPMed below 0.00001; gnomAD 0.00001.
gnomAD v4.1: 8 of 1,613,972 alleles (0.0005%); highest among the groups gnomAD compares: Admixed American, 0.0017%; no homozygotes.

Submissions (3):

Ambry Genetics
Classification: Uncertain significance for Inborn genetic diseases. Last evaluated: 2025-06-18. Review status: criteria provided, single submitter. Criteria: Ambry Variant Classification Scheme 2023. Collection method: clinical testing. Allele origin: germline.

Mayo Clinic Laboratories, Mayo Clinic
Classification: Uncertain significance. Last evaluated: 2023-03-14. Review status: criteria provided, single submitter. Criteria: ACMG Guidelines, 2015. Collection method: clinical testing. Allele origin: germline. Observed: 1 variant allele.
Comment: BP4, PM2

Labcorp Genetics (formerly Invitae), Labcorp
Classification: Uncertain significance. Last evaluated: 2022-01-01. Review status: criteria provided, single submitter. Criteria: Invitae Variant Classification Sherloc (09022015). Collection method: clinical testing. Allele origin: germline.
Comment: This sequence change replaces asparagine, which is neutral and polar, with serine, which is neutral and polar, at codon 4079 of the VPS13D protein (p.Asn4079Ser). This variant is present in population databases (rs542850763, gnomAD 0.0009%). This variant has not been reported in the literature in individuals affected with VPS13D-related conditions. Algorithms developed to predict the effect of missense changes on protein structure and function are either unavailable or do not agree on the potential impact of this missense change (SIFT: "Not Available"; PolyPhen-2: "Probably Damaging"; Align-GVGD: "Not Available"). In summary, the available evidence is currently insufficient to determine the role of this variant in disease. Therefore, it has been classified as a Variant of Uncertain Significance.

NM_015378.4(VPS13D):c.12236A>G (p.Asn4079Ser)

Gene: VPS13D (vacuolar protein sorting 13 homolog D; plus strand). Cytogenetic location: 1p36.22.
Variant type: single nucleotide variant.
Coding change: c.12236A>G on transcript NM_015378.4 (MANE Select); coding-DNA position 12236, A replaced by G.
Protein change: p.Asn4079Ser; replaces asparagine 4079 with serine.
Molecular consequence: missense variant.
Genome position (GRCh38, 1-based): chr1:12,416,730, A>G. VCF-style: chr1-12416730-A-G. GRCh37 (hg19) VCF-style: chr1-12476783-A-G.
Other names: p.Asn4079Ser; c.12236A>G (NM_015378.2); c.12161A>G, p.Asn4054Ser (NM_018156.4); short protein forms N4054S, N4079S.
Identifiers: ClinVar variation 1987173 (VCV001987173.3), dbSNP rs542850763, ClinGen allele CA18067290.